The following is an entry in ClinVar:

ClinVar aggregate classification (germline): Likely benign (0 of 4 stars; one submission).

Conditions:
CACNA1A-related disorder. Also called: CACNA1A-related condition.

Allele frequency attached by ClinVar (database versions not stated): TOPMed below 0.00001.

Submission:

PreventionGenetics, part of Exact Sciences
Classification: Likely benign for CACNA1A-related condition. Last evaluated: 2020-05-13. Review status: no assertion criteria provided. Collection method: clinical testing. Allele origin: germline.
Comment: This variant is classified as likely benign based on ACMG/AMP sequence variant interpretation guidelines (Richards et al. 2015 PMID: 25741868, with internal and published modifications).

NM_001127222.2(CACNA1A):c.7293C>A (p.Ala2431=)

Gene: CACNA1A (calcium voltage-gated channel subunit alpha1 A; minus strand). Cytogenetic location: 19p13.13.
Variant type: single nucleotide variant.
Coding change: c.7293C>A on transcript NM_001127222.2 (MANE Select); coding-DNA position 7293, C replaced by A.
Protein change: p.Ala2431=; no amino-acid change (alanine 2431 retained).
Molecular consequence: synonymous variant. On other transcripts: 3 prime UTR variant (3).
Genome position (GRCh38, 1-based): chr19:13,207,541, G>T on the plus strand (C>A on the coding strand, the complement: CACNA1A is on the minus strand). VCF-style: chr19-13207541-G-T. GRCh37 (hg19) VCF-style: chr19-13318355-G-T.
Other names: c.*505C>A (NM_000068.4, NM_001127221.2, NM_001174080.2); c.7311C>A, p.Ala2437= (NM_023035.3).
Identifiers: ClinVar variation 3050207 (VCV003050207.2), dbSNP rs758320568, ClinGen allele CA505784744.